The following is an entry in ClinVar:

ClinVar aggregate classification (germline): Conflicting classifications of pathogenicity. Review status: criteria provided, conflicting classifications (1 of 4 stars). 3 submissions from 3 submitters: Uncertain significance (2); Likely benign (1). Last evaluated 2026-07-06.

Conditions:
ABCC2-related disorder. Also called: ABCC2-related condition.

Allele frequency attached by ClinVar (database versions not stated): gnomAD exomes 0.00010 and 0.00002; ExAC 0.00016; TOPMed 0.00038; gnomAD 0.00042 and 0.00044; ESP Exome Variant Server 0.00077; 1000 Genomes Project 30x 0.00078; 1000 Genomes Project 0.00080.
gnomAD v4.1: 98 of 1,614,030 alleles (0.0061%); highest among the groups gnomAD compares: African/African-American, 0.13%; 2 homozygotes.

Submissions (3):

PreventionGenetics, part of Exact Sciences
Classification: Uncertain significance for ABCC2-related condition. Last evaluated: 2026-07-06. Review status: criteria provided, single submitter. Criteria: ACMG Guidelines, 2015. Collection method: clinical testing. Allele origin: germline.
Comment: The ABCC2 c.4075A>C variant is predicted to result in the amino acid substitution p.Ile1359Leu. To our knowledge, this variant has not been reported in the literature. This variant is reported in 0.14% of alleles in individuals of African descent in gnomAD. Although we suspect that this variant may be benign, at this time, the clinical significance of this variant is uncertain due to the absence of conclusive functional and genetic evidence.

Labcorp Genetics (formerly Invitae), Labcorp
Classification: Likely benign. Last evaluated: 2024-02-11. Review status: criteria provided, single submitter. Criteria: Invitae Variant Classification Sherloc (09022015). Collection method: clinical testing. Allele origin: germline.

Eurofins Ntd Llc (ga)
Classification: Uncertain significance. Last evaluated: 2018-05-23. Review status: criteria provided, single submitter. Criteria: EGL ClinVar v180209 classification definitions. Collection method: clinical testing. Allele origin: germline. Observed: 3 variant alleles, 3 heterozygotes.

NM_000392.5(ABCC2):c.4075A>C (p.Ile1359Leu)

Gene: ABCC2 (ATP binding cassette subfamily C member 2; plus strand). Cytogenetic location: 10q24.2.
Variant type: single nucleotide variant.
Coding change: c.4075A>C on transcript NM_000392.5 (MANE Select); coding-DNA position 4075, A replaced by C.
Protein change: p.Ile1359Leu; replaces isoleucine 1359 with leucine.
Molecular consequence: missense variant.
Genome position (GRCh38, 1-based): chr10:99,845,711, A>C. VCF-style: chr10-99845711-A-C. GRCh37 (hg19) VCF-style: chr10-101605468-A-C.
Other names: c.4075A>C (NM_000392.4); c.4075A>C, p.Ile1359Leu (LRG_1208t1); short protein forms I1359L.
Identifiers: ClinVar variation 196160 (VCV000196160.10), dbSNP rs142700351, ClinGen allele CA243027.